The following is an entry in ClinVar:

NM_004004.6(GJB2):c.601del (p.Ile201fs)

Gene: GJB2 (gap junction protein beta 2; minus strand). Cytogenetic location: 13q12.11.
Variant type: Deletion.
Coding change: c.601del on transcript NM_004004.6 (MANE Select); coding-DNA position 601, one base deleted (A; older notation c.601delA).
Protein change: p.Ile201fs; shifts the reading frame from isoleucine 201.
Molecular consequence: frameshift variant.
Genome position (GRCh38, 1-based): chr13:20,188,981, T deleted on the plus strand (A on the coding strand, the reverse complement: GJB2 is on the minus strand); the first of 2 consecutive T bases (chr13:20,188,981-20,188,982); deleting either gives the same sequence. VCF-style (leftmost placement, unchanged base first): chr13-20188980-AT-A. GRCh37 (hg19) VCF-style: chr13-20763119-AT-A.
Other names: short protein forms I201fs.
Identifiers: ClinVar variation 3721838 (VCV003721838.2).
Genomic context (GRCh38, chr13:20,188,980, plus strand): 5'-TTCCCAGAACAATATCTAATTAGCAAATAACACAATTCAGTGACATTCAGCAGGATGCAA[AT>A]TCCAGACACTGCAATCATGAACACTGTGAAGACAGTCTTCTCCGTGGGCCGGGACACAAA-3'

ClinVar aggregate classification (germline): Pathogenic (1 of 4 stars; one submission).

Submission:

Labcorp Genetics (formerly Invitae), Labcorp
Classification: Pathogenic. Last evaluated: 2024-11-06. Review status: criteria provided, single submitter. Criteria: Invitae Variant Classification Sherloc (09022015). Collection method: clinical testing. Allele origin: germline.
Comment: This sequence change creates a premature translational stop signal (p.Ile201Phefs*5) in the GJB2 gene. While this is not anticipated to result in nonsense mediated decay, it is expected to disrupt the last 26 amino acid(s) of the GJB2 protein. This variant is not present in population databases (gnomAD no frequency). This variant has not been reported in the literature in individuals affected with GJB2-related conditions. This variant disrupts a region of the GJB2 protein in which other variant(s) (p.Leu213*, p.Cys211*) have been determined to be pathogenic (PMID: 15150777, 23141775). This suggests that this is a clinically significant region of the protein, and that variants that disrupt it are likely to be disease-causing. For these reasons, this variant has been classified as Pathogenic.

Literature cited by the submitters: PubMed 15150777; PubMed 23141775.